The following is an entry in ClinVar:

NM_003126.4(SPTA1):c.4875+12C>T

Gene: SPTA1 (spectrin alpha, erythrocytic 1; minus strand). Cytogenetic location: 1q23.1.
Variant type: single nucleotide variant.
Coding change: c.4875+12C>T on transcript NM_003126.4 (MANE Select); 12 bases into the intron after coding-DNA position 4875, C replaced by T.
Molecular consequence: intron variant.
Genome position (GRCh38, 1-based): chr1:158,639,858, G>A on the plus strand (C>T on the coding strand, the complement: SPTA1 is on the minus strand). VCF-style: chr1-158639858-G-A. GRCh37 (hg19) VCF-style: chr1-158609648-G-A.
Other names: p.?.
Identifiers: ClinVar variation 875288 (VCV000875288.13), dbSNP rs139797540, ClinGen allele CA1182532.

ClinVar aggregate classification (germline): Conflicting classifications of pathogenicity. Review status: criteria provided, conflicting classifications (1 of 4 stars). 7 submissions from 5 submitters: Uncertain significance (2); Benign (2); Likely benign (3). Last evaluated 2026-01-07.

Conditions:
Hereditary spherocytosis type 3. Also called: Spherocytosis type 3; SPTA1-Related Spherocytosis. Identifiers: Orphanet 822, MedGen C2678338, MONDO:0010053, OMIM 270970.
Elliptocytosis 2 (EL2). Also called: ELLIPTOCYTOSIS, RHESUS-UNLINKED TYPE. Identifiers: Orphanet 288, MedGen C1851741, MONDO:0007533, OMIM 130600.
Pyropoikilocytosis, hereditary. Also called: Pyropoikilocytosis. Identifiers: MedGen C0520739, MONDO:0009948, OMIM 266140, HP:0004839. Disease mechanism: loss of function.

Allele frequency attached by ClinVar (database versions not stated): TOPMed 0.00342; ESP Exome Variant Server 0.00394; 1000 Genomes Project 30x 0.00406; 1000 Genomes Project 0.00419.
gnomAD v4.1: 1,001 of 1,613,838 alleles (0.062%); highest among the groups gnomAD compares: African/African-American, 1%; 5 homozygotes.

Submissions (7):

Labcorp Genetics (formerly Invitae), Labcorp
Classification: Benign. Last evaluated: 2026-01-07. Review status: criteria provided, single submitter. Criteria: Invitae Variant Classification Sherloc (09022015). Collection method: clinical testing. Allele origin: germline.

ARUP Laboratories, Molecular Genetics and Genomics, ARUP Laboratories
Classification: Benign. Last evaluated: 2025-07-01. Review status: criteria provided, single submitter. Criteria: ARUP Molecular Germline Variant Investigation Process 2024. Collection method: clinical testing. Allele origin: germline.

Blueprint Genetics
Classification: Likely benign. Last evaluated: 2024-11-26. Review status: criteria provided, single submitter. Criteria: ACMG Guidelines, 2015. Collection method: clinical testing. Allele origin: germline.

Mayo Clinic Laboratories, Mayo Clinic
Classification: Likely benign. Last evaluated: 2024-10-15. Review status: criteria provided, single submitter. Criteria: ACMG Guidelines, 2015. Collection method: clinical testing. Allele origin: germline. Observed: 12 variant alleles.

Illumina Laboratory Services, Illumina
Classification: Uncertain significance for Pyropoikilocytosis, hereditary. Last evaluated: 2018-01-13. Review status: criteria provided, single submitter. Criteria: ICSL Variant Classification Criteria 13 December 2019. Collection method: clinical testing. Allele origin: germline.

Illumina Laboratory Services, Illumina
Classification: Uncertain significance for Hereditary spherocytosis type 3. Last evaluated: 2018-01-13. Review status: criteria provided, single submitter. Criteria: ICSL Variant Classification Criteria 13 December 2019. Collection method: clinical testing. Allele origin: germline.

Illumina Laboratory Services, Illumina
Classification: Likely benign for Elliptocytosis 2. Last evaluated: 2018-01-13. Review status: criteria provided, single submitter. Criteria: ICSL Variant Classification Criteria 13 December 2019. Collection method: clinical testing. Allele origin: germline.
Comment: This variant was observed in the ICSL laboratory as part of a predisposition screen in an ostensibly healthy population. It had not been previously curated by ICSL or reported in the Human Gene Mutation Database (HGMD: prior to June 1st, 2018), and was therefore a candidate for classification through an automated scoring system. Utilizing variant allele frequency, disease prevalence and penetrance estimates, and inheritance mode, an automated score was calculated to assess if this variant is too frequent to cause the disease. Based on the score and internal cut-off values, a variant classified as likely benign is not then subjected to further curation. The score for this variant resulted in a classification of likely benign for this disease.